The following is an entry in ClinVar:

NM_032119.4(ADGRV1):c.18436C>G (p.Leu6146Val)

Gene: ADGRV1 (adhesion G protein-coupled receptor V1; plus strand). Cytogenetic location: 5q14.3.
Variant type: single nucleotide variant.
Coding change: c.18436C>G on transcript NM_032119.4 (MANE Select); coding-DNA position 18436, C replaced by G.
Protein change: p.Leu6146Val; replaces leucine 6146 with valine.
Molecular consequence: missense variant. On other transcripts: non-coding transcript variant (1).
Genome position (GRCh38, 1-based): chr5:91,150,033, C>G. VCF-style: chr5-91150033-C-G. GRCh37 (hg19) VCF-style: chr5-90445850-C-G.
Other names: short protein forms L6146V.
Identifiers: ClinVar variation 3343388 (VCV003343388.2).
Genomic context (GRCh38, chr5:91,150,033, plus strand): 5'-GACATGCTGATGTTCTTTTTCTTTTTCTTTTCTTTTCTTTTTTTTTTTTTTTTGCAGGGA[C>G]TTTATGTTTTCATGGTTTATTTCATTTTACACAACCAAATGTGTTGCCCTATGAAGGCCA-3'
Protein context (NP_115495.3, residues 6136-6156): LFVIFNSLQG[Leu6146Val]YVFMVYFILH

ClinVar aggregate classification (germline): Uncertain significance (1 of 4 stars; one submission).

Submission:

GeneDx
Classification: Uncertain significance. Last evaluated: 2025-09-08. Review status: criteria provided, single submitter. Criteria: GeneDx Variant Classification Process June 2021. Collection method: clinical testing. Allele origin: germline.
Comment: Not observed at significant frequency in large population cohorts (gnomAD); In silico analysis suggests that this missense variant does not alter protein structure/function; Has not been previously published as pathogenic or benign to our knowledge